The following is an entry in ClinVar:

ClinVar aggregate classification (germline): Uncertain significance. Review status: criteria provided, multiple submitters, no conflicts (2 of 4 stars). 3 submissions from 3 submitters: Uncertain significance (3). Last evaluated 2026-02-16.

Conditions:
RLBP1-related disorder. Also called: RLBP1-related disorders; RLBP1-related condition. Identifiers: MedGen CN239413.

Allele frequency attached by ClinVar (database versions not stated): TOPMed 0.00001; ExAC 0.00002; gnomAD 0.00002; gnomAD exomes 0.00002.
gnomAD v4.1: 12 of 1,613,910 alleles (0.00074%); highest among the groups gnomAD compares: Admixed American, 0.005%; no homozygotes.

Submissions (3):

PreventionGenetics, part of Exact Sciences
Classification: Uncertain significance for RLBP1-related condition. Last evaluated: 2026-02-16. Review status: criteria provided, single submitter. Criteria: ACMG Guidelines, 2015. Collection method: clinical testing. Allele origin: germline.
Comment: The RLBP1 c.293G>A variant is predicted to result in the amino acid substitution p.Arg98His. To our knowledge, this variant has not been reported in the literature. This variant is reported in 0.012% of alleles in individuals of African descent in gnomAD. At this time, the clinical significance of this variant is uncertain due to the absence of conclusive functional and genetic evidence.

Blueprint Genetics
Classification: Uncertain significance. Last evaluated: 2024-01-31. Review status: criteria provided, single submitter. Criteria: ACMG Guidelines, 2015. Collection method: clinical testing. Allele origin: germline.

Labcorp Genetics (formerly Invitae), Labcorp
Classification: Uncertain significance. Last evaluated: 2021-09-01. Review status: criteria provided, single submitter. Criteria: Invitae Variant Classification Sherloc (09022015). Collection method: clinical testing. Allele origin: germline.
Comment: This sequence change replaces arginine with histidine at codon 98 of the RLBP1 protein (p.Arg98His). The arginine residue is highly conserved and there is a small physicochemical difference between arginine and histidine. This variant is present in population databases (rs745721289, ExAC 0.02%). This variant has not been reported in the literature in individuals affected with RLBP1-related conditions. Algorithms developed to predict the effect of missense changes on protein structure and function are either unavailable or do not agree on the potential impact of this missense change (SIFT: "Deleterious"; PolyPhen-2: "Probably Damaging"; Align-GVGD: "Class C0"). In summary, the available evidence is currently insufficient to determine the role of this variant in disease. Therefore, it has been classified as a Variant of Uncertain Significance.

NM_000326.5(RLBP1):c.293G>A (p.Arg98His)

Gene: RLBP1 (retinaldehyde binding protein 1; minus strand). Cytogenetic location: 15q26.1.
Variant type: single nucleotide variant.
Coding change: c.293G>A on transcript NM_000326.5 (MANE Select); coding-DNA position 293, G replaced by A.
Protein change: p.Arg98His; replaces arginine 98 with histidine.
Molecular consequence: missense variant.
Genome position (GRCh38, 1-based): chr15:89,217,173, C>T on the plus strand (G>A on the coding strand, the complement: RLBP1 is on the minus strand). VCF-style: chr15-89217173-C-T. GRCh37 (hg19) VCF-style: chr15-89760404-C-T.
Other names: c.293G>A (NM_000326.4); short protein forms R98H.
Identifiers: ClinVar variation 1008051 (VCV001008051.8), dbSNP rs745721289, ClinGen allele CA7722330.